The following is an entry in ClinVar:

NM_000138.5(FBN1):c.1850G>A (p.Cys617Tyr)

Gene: FBN1 (fibrillin 1; minus strand). Cytogenetic location: 15q21.1.
Variant type: single nucleotide variant.
Coding change: c.1850G>A on transcript NM_000138.5 (MANE Select); coding-DNA position 1850, G replaced by A.
Protein change: p.Cys617Tyr; replaces cysteine 617 with tyrosine.
Molecular consequence: missense variant.
Genome position (GRCh38, 1-based): chr15:48,505,135, C>T on the plus strand (G>A on the coding strand, the complement: FBN1 is on the minus strand). VCF-style: chr15-48505135-C-T. GRCh37 (hg19) VCF-style: chr15-48797332-C-T.
Other names: NM_000138.5(FBN1):c.1850G>A; p.Cys617Tyr; short protein forms C617Y.
Identifiers: ClinVar variation 495563 (VCV000495563.31), dbSNP rs1555399836, ClinGen allele CA392339186.

ClinVar aggregate classification (germline): Pathogenic. Review status: reviewed by expert panel (3 of 4 stars). 5 submissions from 5 submitters: Pathogenic (1). 4 of the submissions do not count toward it. Last evaluated 2023-11-16.

Conditions:
Marfan Syndrome/Loeys-Dietz Syndrome/Familial Thoracic Aortic Aneurysms and Dissections. Identifiers: MedGen CN229799.
Marfan syndrome (MFS). Also called: MARFAN SYNDROME, TYPE I; FBN1-Related Marfan Syndrome; Marfan syndrome type 1; Marfan's syndrome; Marfan syndrome, classic. Identifiers: Orphanet 284963, Orphanet 558, MedGen C0024796, MONDO:0007947, OMIM 154700.
Familial thoracic aortic aneurysm and aortic dissection (TAAD). Also called: Thoracic aortic aneurysms and dissections. Identifiers: Orphanet 91387, MedGen C4707243, MONDO:0019625.

Submissions (5):

ClinGen FBN1 Variant Curation Expert Panel, ClinGen
Classification: Pathogenic for Marfan syndrome. Last evaluated: 2023-11-16. Review status: reviewed by expert panel. Criteria: Assertion Criteria VCEP FBN1 Version 1. Collection method: curation. Allele origin: germline. Inheritance: Autosomal dominant inheritance.
Comment: NM_00138 c.1850G>A is a missense variant in FBN1 predicted to cause a substitution of a cysteine by tyrosine at amino acid 617 (p.Cys617Tyr). It has also been reported in the literature in two probands, one meeting revised Ghent criteria for Marfan syndrome and one with EL and a systemic score of 7 (PS4_moderate; PMIDs: 27906200, 33483584). This variant was found to be de novo with confirmation of maternity and paternity in an individual with Marfan syndrome, without specific phenotypic features available (PS2_supporting; deCODE genetics internal data, ClinVar Variation ID: 495563). It is not present in gnomAD (PM2_supporting). This variant affects a cysteine residue in a calcium binding EGF domain; cysteine residues are believed to be involved in the formation of disulfide bridges which are essential for the protein structure (PM1_strong). Several other variants affecting this codon have been reported in association with Marfan syndrome (p.Cys617Arg, p.Cys617Gly, p.Cys617Ser). Computational prediction tools and conservation analysis suggest that this variant may impact the protein (PP3). The constraint z-score for missense variants affecting FBN1 is 5.06 (PP2). In summary, this variant meets criteria to be classified as pathogenic for Marfan syndrome based on the ACMG/AMP criteria applied, as specified by the ClinGen FBN1 VCEP: PM1_strong, PS4_moderate, PM2_supporting, PS2_supporting, PP2, PP3, PP4.

Women's Health and Genetics/Laboratory Corporation of America, LabCorp
Classification: Pathogenic for Marfan Syndrome/Loeys-Dietz Syndrome/Familial Thoracic Aortic Aneurysms and Dissections. Last evaluated: 2026-04-10. Review status: criteria provided, single submitter. Criteria: LabCorp Variant Classification Summary - May 2015. Collection method: clinical testing. Allele origin: germline. Not counted in ClinVar's aggregate classification.
Comment: Variant summary: FBN1 c.1850G>A (p.Cys617Tyr) results in a non-conservative amino acid change in the encoded protein sequence. Algorithms developed to predict the effect of missense changes on protein structure and function all suggest that this variant is likely to be disruptive. Missense mutations affecting cysteine residues are listed among the criteria for a causal FBN1 mutation when identified as de novo (with proven paternity) in the revised Ghent criteria for the diagnosis of Marfan and related conditions (Loeys 2010). The variant was absent in 251434 control chromosomes (gnomAD). c.1850G>A has been observed in individuals affected with Marfan Syndrome, including at least one de novo occurrence (Groth_2017, Gezdirici_2021). These data indicate that the variant may be associated with disease. To our knowledge, no experimental evidence demonstrating an impact on protein function has been reported. The following publications have been ascertained in the context of this evaluation (PMID: 33483584, 27906200). ClinVar contains an entry for this variant (Variation ID: 495563). Based on the evidence outlined above, the variant was classified as pathogenic.

Labcorp Genetics (formerly Invitae), Labcorp
Classification: Pathogenic for Marfan syndrome; Familial thoracic aortic aneurysm and aortic dissection. Last evaluated: 2021-09-02. Review status: criteria provided, single submitter. Criteria: Invitae Variant Classification Sherloc (09022015). Collection method: clinical testing. Allele origin: germline. Not counted in ClinVar's aggregate classification.

deCODE genetics, Amgen
Classification: Pathogenic for Marfan syndrome. Last evaluated: 2023-04-10. Review status: no assertion criteria provided. Collection method: case-control. Allele origin: germline. Affected: yes. Observed: 1 variant allele. Not counted in ClinVar's aggregate classification.
Comment: Applied ACMG criteria: PS2, PM2, PP2, PP4, PP5_strong

Center for Medical Genetics Ghent, University of Ghent
Classification: Likely pathogenic for Marfan syndrome. Last evaluated: 2017-11-07. Review status: no assertion criteria provided. Collection method: clinical testing. Allele origin: germline. Affected: yes. Not counted in ClinVar's aggregate classification.

Literature cited by the submitters: PubMed 27906200 (cited by Women's Health and Genetics/Laboratory Corporation of America, LabCorp); PubMed 33483584 (cited by Women's Health and Genetics/Laboratory Corporation of America, LabCorp); PubMed 37684520 (cited by deCODE genetics, Amgen).